The following is an entry in ClinVar:

ClinVar aggregate classification (germline): Conflicting classifications of pathogenicity. Review status: criteria provided, conflicting classifications (1 of 4 stars). 2 submissions from 2 submitters: Uncertain significance (1); Likely benign (1). Last evaluated 2025-11-19.

Allele frequency attached by ClinVar (database versions not stated): TOPMed 0.00017; gnomAD 0.00019; ESP Exome Variant Server 0.00024.

Submissions (2):

Labcorp Genetics (formerly Invitae), Labcorp
Classification: Uncertain significance. Last evaluated: 2025-11-19. Review status: criteria provided, single submitter. Criteria: Invitae Variant Classification Sherloc (09022015). Collection method: clinical testing. Allele origin: germline.
Comment: This sequence change replaces valine, which is neutral and non-polar, with isoleucine, which is neutral and non-polar, at codon 24 of the IL18BP protein (p.Val24Ile). This variant is present in population databases (rs376290357, gnomAD 0.03%). This variant has not been reported in the literature in individuals affected with IL18BP-related conditions. ClinVar contains an entry for this variant (Variation ID: 2057834). An algorithm developed to predict the effect of missense changes on protein structure and function outputs the following: PolyPhen-2: "Benign". The isoleucine amino acid residue is found in multiple mammalian species, which suggests that this missense change does not adversely affect protein function. In summary, the available evidence is currently insufficient to determine the role of this variant in disease. Therefore, it has been classified as a Variant of Uncertain Significance.

Ambry Genetics
Classification: Likely benign. Last evaluated: 2022-06-10. Review status: criteria provided, single submitter. Criteria: Ambry Variant Classification Scheme 2023. Collection method: clinical testing. Allele origin: germline.

NM_001039660.2(IL18BP):c.70G>A (p.Val24Ile)

Gene: IL18BP (interleukin 18 binding protein; plus strand). Cytogenetic location: 11q13.4.
Variant type: single nucleotide variant.
Coding change: c.70G>A on transcript NM_001039660.2 (MANE Select); coding-DNA position 70, G replaced by A.
Protein change: p.Val24Ile; replaces valine 24 with isoleucine.
Molecular consequence: missense variant.
Genome position (GRCh38, 1-based): chr11:72,000,392, G>A. VCF-style: chr11-72000392-G-A. GRCh37 (hg19) VCF-style: chr11-71711438-G-A.
Other names: c.70G>A, p.Val24Ile (NM_001039659.2, NM_001145055.1, NM_001145057.1 and 3 more transcripts); short protein forms V24I.
Identifiers: ClinVar variation 2057834 (VCV002057834.5), dbSNP rs376290357, ClinGen allele CA6166103.